The following is an entry in ClinVar:

ClinVar aggregate classification (germline): Pathogenic/Likely pathogenic. Review status: criteria provided, multiple submitters, no conflicts (2 of 4 stars). 3 submissions from 3 submitters: Pathogenic (1); Likely pathogenic (2). Last evaluated 2025-10-14.

Conditions:
Citrullinemia type I (CTNL1). Also called: argininosuccinate synthetase deficiency; ASS DEFICIENCY. Identifiers: Orphanet 247525, MedGen C4721769, MONDO:0008988, OMIM 215700.
Citrullinemia. Identifiers: Orphanet 187, MedGen C0175683, MONDO:0015991.

Submissions (3):

Natera, Inc.
Classification: Likely pathogenic for Citrullinemia type I. Last evaluated: 2025-10-14. Review status: criteria provided, single submitter. Criteria: Natera Variant Classification Schema (03/2026). Collection method: clinical testing. Allele origin: germline.
Comment: The c.812dupA variant in ASS1 is a frameshift variant predicted to shift the reading frame beginning at codon 271 and leads to a stop codon 49 codons downstream. This variant is expected to result in nonsense mediated decay, truncation, or a dysfunctional protein product. This variant is rare in the general population with a frequency below the threshold expected for the associated phenotype(s). Given the available evidence, this variant is classified as Likely Pathogenic.

Fulgent Genetics
Classification: Likely pathogenic for Citrullinemia type I. Last evaluated: 2024-05-11. Review status: criteria provided, single submitter. Criteria: ACMG Guidelines, 2015. Collection method: clinical testing. Allele origin: germline.

Labcorp Genetics (formerly Invitae), Labcorp
Classification: Pathogenic for Citrullinemia. Last evaluated: 2023-09-05. Review status: criteria provided, single submitter. Criteria: Invitae Variant Classification Sherloc (09022015). Collection method: clinical testing. Allele origin: germline.
Comment: This sequence change creates a premature translational stop signal (p.Asn271Lysfs*49) in the ASS1 gene. It is expected to result in an absent or disrupted protein product. Loss-of-function variants in ASS1 are known to be pathogenic (PMID: 18473344, 19006241). For these reasons, this variant has been classified as Pathogenic. ClinVar contains an entry for this variant (Variation ID: 1034022). This variant has not been reported in the literature in individuals affected with ASS1-related conditions. This variant is present in population databases (rs759483921, gnomAD 0.0009%).

Literature cited by the submitters: PubMed 18473344 (cited by Labcorp Genetics (formerly Invitae), Labcorp); PubMed 19006241 (cited by Labcorp Genetics (formerly Invitae), Labcorp).

NM_054012.4(ASS1):c.812dup (p.Asn271fs)

Gene: ASS1 (argininosuccinate synthase 1; plus strand). Cytogenetic location: 9q34.11.
Variant type: Duplication.
Coding change: c.812dup on transcript NM_054012.4 (MANE Select); coding-DNA position 812, one base duplicated (A; older notation c.812dupA).
Protein change: p.Asn271fs; shifts the reading frame from asparagine 271.
Molecular consequence: frameshift variant.
Genome position (GRCh38, 1-based): chr9:130,480,423, A duplicated; the last of 2 consecutive A bases (chr9:130,480,422-130,480,423); duplicating either gives the same sequence. VCF-style (leftmost placement, unchanged base first): chr9-130480421-G-GA. GRCh37 (hg19) VCF-style: chr9-133355808-G-GA.
Other names: c.812dup, p.Asn271fs (NM_000050.4); short protein forms N271fs.
Identifiers: ClinVar variation 1034022 (VCV001034022.10), dbSNP rs759483921, ClinGen allele CA5283536.